The following is an entry in ClinVar:

NM_004667.6(HERC2):c.6261C>T (p.Thr2087=)

Gene: HERC2 (HECT and RLD domain containing E3 ubiquitin protein ligase 2; minus strand). Cytogenetic location: 15q13.1.
Variant type: single nucleotide variant.
Coding change: c.6261C>T on transcript NM_004667.6 (MANE Select); coding-DNA position 6261, C replaced by T.
Protein change: p.Thr2087=; no amino-acid change (threonine 2087 retained).
Molecular consequence: synonymous variant.
Genome position (GRCh38, 1-based): chr15:28,214,752, G>A on the plus strand (C>T on the coding strand, the complement: HERC2 is on the minus strand). VCF-style: chr15-28214752-G-A. GRCh37 (hg19) VCF-style: chr15-28459898-G-A.
Identifiers: ClinVar variation 5040985 (VCV005040985.1).

ClinVar aggregate classification (germline): Likely benign (1 of 4 stars; one submission).

gnomAD v4.1: 364 of 1,611,570 alleles (0.023%); highest among the groups gnomAD compares: African/African-American, 0.34%; 1 homozygote.

Submission:

CeGaT Center for Human Genetics Tuebingen
Classification: Likely benign. Last evaluated: 2026-09-01. Review status: criteria provided, single submitter. Criteria: CeGaT Center For Human Genetics Tuebingen Variant Classification Criteria Version 2. Collection method: clinical testing. Allele origin: germline. Affected: yes. Observed: 1 variant allele.
Comment: HERC2: BP4, BP7